The following is an entry in ClinVar:

ClinVar aggregate classification (germline): Benign. Review status: criteria provided, multiple submitters, no conflicts (2 of 4 stars). 4 submissions from 4 submitters: Benign (4). Last evaluated 2026-01-21.

Allele frequency attached by ClinVar (database versions not stated): ESP Exome Variant Server 0.19015; 1000 Genomes Project 30x 0.20416; 1000 Genomes Project 0.20450; gnomAD 0.21216 and 0.21390; gnomAD exomes 0.25353 and 0.25714; TOPMed 0.21574; ExAC 0.24984.
gnomAD v4.1: 305,975 of 1,207,984 alleles (25%); highest among the groups gnomAD compares: Admixed American, 36%; 27,550 homozygotes.

Submissions (4):

Women's Health and Genetics/Laboratory Corporation of America, LabCorp
Classification: Benign. Last evaluated: 2026-01-21. Review status: criteria provided, single submitter. Criteria: LabCorp Variant Classification Summary - May 2015. Collection method: clinical testing. Allele origin: germline.

Unidad de Genómica Garrahan, Hospital de Pediatría Garrahan
Classification: Benign. Last evaluated: 2024-01-24. Review status: criteria provided, single submitter. Criteria: ACMG Guidelines, 2015. Collection method: clinical testing. Allele origin: germline. Affected: no. Observed: 39 variant alleles.
Comment: This variant is classified as Benign based on local population frequency. This variant was detected in 41% of patients studied by a panel of primary immunodeficiencies. Number of patients: 39. Only high quality variants are reported.

Laboratory for Molecular Medicine, Mass General Brigham Personalized Medicine
Classification: Benign. Last evaluated: 2016-03-28. Review status: criteria provided, single submitter. Criteria: LMM Criteria. Collection method: clinical testing. Allele origin: germline.
Comment: Variant identified in a genome or exome case(s) and assessed due to predicted null impact of the variant or pathogenic assertions in the literature or databases. Disclaimer: This variant has not undergone full assessment. The following are preliminary notes: Frequency

Breakthrough Genomics
Classification: Benign. Review status: criteria provided, single submitter. Criteria: ACMG Guidelines, 2015. Collection method: not provided. Allele origin: germline. Inheritance: X-linked inheritance. Affected: yes.

NM_001421.4(ELF4):c.1509G>A (p.Thr503=)

Gene: ELF4 (E74 like ETS transcription factor 4; minus strand). Cytogenetic location: Xq26.1.
Variant type: single nucleotide variant.
Coding change: c.1509G>A on transcript NM_001421.4 (MANE Select); coding-DNA position 1509, G replaced by A.
Protein change: p.Thr503=; no amino-acid change (threonine 503 retained).
Molecular consequence: synonymous variant.
Genome position (GRCh38, 1-based): chrX:130,067,204, C>T on the plus strand (G>A on the coding strand, the complement: ELF4 is on the minus strand). VCF-style: chrX-130067204-C-T. GRCh37 (hg19) VCF-style: chrX-129201179-C-T.
Other names: c.1509G>A, p.Thr503= (NM_001127197.2).
Identifiers: ClinVar variation 402824 (VCV000402824.8), dbSNP rs2181440, ClinGen allele CA10514928.